The following is an entry in ClinVar:

ClinVar aggregate classification (germline): Likely pathogenic (1 of 4 stars; one submission).

Submission:

Centre of Medical Genetics, University Hospital Muenster
Classification: Likely pathogenic. Last evaluated: 2022-10-20. Review status: criteria provided, single submitter. Criteria: ACMG Guidelines, 2015. Collection method: clinical testing. Allele origin: unknown. Affected: yes. Observed: 1 variant allele, 1 heterozygote.
Comment: ACMG categories: PVS1,PM2

NM_001190737.2(NFIB):c.389_399del (p.Leu130fs)

Gene: NFIB (nuclear factor I B; minus strand). Cytogenetic location: 9p22.3.
Variant type: Deletion.
Coding change: c.389_399del on transcript NM_001190737.2 (MANE Select); coding-DNA positions 389 to 399, 11 bases deleted (TGGATCTAGTC).
Protein change: p.Leu130fs; shifts the reading frame from leucine 130.
Molecular consequence: frameshift variant. On other transcripts: intron variant (3).
Genome position (GRCh38, 1-based): chr9:14,307,152-14,307,162, GACTAGATCCA deleted on the plus strand (TGGATCTAGTC on the coding strand, the reverse complement: NFIB is on the minus strand); deleting any 11 consecutive bases within chr9:14,307,152-14,307,165 gives the same sequence; the c. name uses the placement nearest the transcript's 3' end. VCF-style (leftmost placement, unchanged base first): chr9-14307151-TGACTAGATCCA-T. GRCh37 (hg19) VCF-style: chr9-14307150-TGACTAGATCCA-T.
Other names: c.467_477del, p.Leu156fs (NM_001190738.2); c.455_465del, p.Leu152fs (NM_001369458.1, NM_001369459.1, NM_001369462.1 and 1 more transcripts); c.377_387del, p.Leu126fs (NM_001369460.1, NM_001369463.1, NM_001369466.1 and 2 more transcripts); c.389_399del, p.Leu130fs (NM_001369461.1, NM_001369464.1, NM_001369471.1 and 3 more transcripts); c.362_372del, p.Leu121fs (NM_001369465.1, NM_001369467.1, NM_001369476.1); c.245_255del, p.Leu82fs (NM_001369469.1); c.374_384del, p.Leu125fs (NM_001369474.1); c.325+52_325+62del (NM_001369478.1, NM_001369470.1); and 1 more; short protein forms L121fs, L125fs, L126fs, L130fs, L152fs, L156fs, L82fs.
Identifiers: ClinVar variation 2430344 (VCV002430344.2), dbSNP rs2538992151, ClinGen allele CA2580080265.